The following is an entry in ClinVar:

ClinVar aggregate classification (germline): Pathogenic/Likely pathogenic. Review status: criteria provided, multiple submitters, no conflicts (2 of 4 stars). 7 submissions from 7 submitters: Pathogenic (3); Likely pathogenic (3). 1 of the submissions does not count toward it. Last evaluated 2025-11-10.

Conditions:
Acute lymphoid leukemia (ALL). Also called: Acute lymphoblastic leukemia; Acute lymphocytic leukemia; Lymphoblastic leukemia; Leukemia, acute lymphoblastic, somatic. Identifiers: Orphanet 513, MedGen C0023449, MONDO:0004967, OMIM 613065, HP:0006721.
Microcephaly, normal intelligence and immunodeficiency (NBS). Also called: IMMUNODEFICIENCY, MICROCEPHALY, AND CHROMOSOMAL INSTABILITY; SEEMANOVA SYNDROME II; Nijmegen breakage syndrome; Microcephaly with normal intelligence immunodeficiency and lymphoreticular malignancies; Nonsyndromal microcephaly autosomal recessive with normal intelligence; Seemanova syndrome 2. Identifiers: Orphanet 647, MedGen C0398791, MONDO:0009623, OMIM 251260.
Aplastic anemia. Identifiers: Orphanet 182040, Orphanet 88, MedGen C0002874, MONDO:0015909, OMIM 609135, HP:0001915.
Hereditary cancer-predisposing syndrome. Also called: Hereditary neoplastic syndrome; Neoplastic Syndromes, Hereditary; Tumor predisposition; Hereditary Cancer Syndrome. Identifiers: Orphanet 140162, MedGen C0027672, MeSH D009386, MONDO:0015356.
Familial cancer of breast. Also called: BREAST CANCER, FAMILIAL; Hereditary breast cancer; hereditary breast carcinoma. Identifiers: Orphanet 227535, MedGen C0346153, MONDO:0016419, OMIM 114480. Disease mechanism: loss of function.

Submissions (7):

Labcorp Genetics (formerly Invitae), Labcorp
Classification: Pathogenic for Microcephaly, normal intelligence and immunodeficiency. Last evaluated: 2025-11-10. Review status: criteria provided, single submitter. Criteria: Invitae Variant Classification Sherloc (09022015). Collection method: clinical testing. Allele origin: germline.
Comment: This sequence change creates a premature translational stop signal (p.Trp501*) in the NBN gene. It is expected to result in an absent or disrupted protein product. Loss-of-function variants in NBN are known to be pathogenic (PMID: 9590180, 16415040). This variant is not present in population databases (gnomAD no frequency). This variant has not been reported in the literature in individuals affected with NBN-related conditions. ClinVar contains an entry for this variant (Variation ID: 480057). RNA analysis performed to evaluate the impact of this premature translational stop signal on mRNA splicing indicates it does not significantly alter splicing (internal data). For these reasons, this variant has been classified as Pathogenic.

Fulgent Genetics
Classification: Likely pathogenic for Microcephaly, normal intelligence and immunodeficiency; Aplastic anemia; Acute lymphoid leukemia. Last evaluated: 2024-05-29. Review status: criteria provided, single submitter. Criteria: ACMG Guidelines, 2015. Collection method: clinical testing. Allele origin: germline.

Baylor Genetics
Classification: Likely pathogenic for Aplastic anemia. Last evaluated: 2023-12-29. Review status: criteria provided, single submitter. Criteria: ACMG Guidelines, 2015. Collection method: clinical testing. Allele origin: unknown.

Genome-Nilou Lab
Classification: Pathogenic for Microcephaly, normal intelligence and immunodeficiency. Last evaluated: 2021-11-07. Review status: criteria provided, single submitter. Criteria: ACMG Guidelines, 2015. Collection method: clinical testing. Allele origin: germline. Affected: no.

GeneDx
Classification: Likely pathogenic. Last evaluated: 2021-10-26. Review status: criteria provided, single submitter. Criteria: GeneDx Variant Classification Process June 2021. Collection method: clinical testing. Allele origin: germline. Affected: yes.
Comment: Nonsense variant predicted to result in protein truncation or nonsense mediated decay in a gene for which loss-of-function is a known mechanism of disease; Not observed at significant frequency in large population cohorts (Lek et al., 2016); Has not been previously published as pathogenic or benign to our knowledge

Ambry Genetics
Classification: Pathogenic for Hereditary cancer-predisposing syndrome. Last evaluated: 2021-09-14. Review status: criteria provided, single submitter. Criteria: Ambry Variant Classification Scheme 2023. Collection method: clinical testing. Allele origin: germline.
Comment: The p.W501* pathogenic mutation (also known as c.1502G>A), located in coding exon 11 of the NBN gene, results from a G to A substitution at nucleotide position 1502. This changes the amino acid from a tryptophan to a stop codon within coding exon 11. This variant was reported in 1/60,466 breast cancer cases and in 0/53,461 controls (Dorling et al. N Engl J Med. 2021 02;384:428-439). This variant is considered to be rare based on population cohorts in the Genome Aggregation Database (gnomAD). In addition to the clinical data presented in the literature, this alteration is expected to result in loss of function by premature protein truncation or nonsense-mediated mRNA decay. As such, this alteration is interpreted as a disease-causing mutation.

Center of Medical Genetics and Primary Health Care
Classification: Pathogenic for Familial cancer of breast. Last evaluated: 2020-04-08. Review status: no assertion criteria provided. Collection method: research. Allele origin: germline. Affected: yes. Observed: 1 heterozygote. Not counted in ClinVar's aggregate classification.
Comment: The NBN gene pathogenic variant p.Trp501Ter is in exon 11 and before the DNA repair Nbs1 C-terminal domain (K683-746Y aa). This C- terminal region of the DNA damage repair protein Nbs1 has been identified to be necessary for the binding of Mre11 and Tel1 (PMID: 15964794). The substitution creates a nonsense variant, which changes a Tryptophan to a premature stop codon (TGG>TAG), and is predicted to cause loss of normal protein function through either protein truncation which misses the Mre11 and ATM binding domains or nonsense-mediated mRNA decay (PVS1 Pathogenic Very Strong). This variant is not found in GnomAD exomes neither in GnomAD genomes (PM2 Pathogenic Moderate). 3 pathogenic predictions from EIGEN, FATHMM-MKL and MutationTaster versus no benign predictions support its deleterious effect (PP3 Pathogenic Supporting). This variant is reported in ClinVar as a pathogenic or a likely pathogenic variant. Therefore, based on the evidence provided, we classified this variant as a Pathogenic.

Literature cited by the submitters: PubMed 9590180 (cited by Labcorp Genetics (formerly Invitae), Labcorp); PubMed 16415040 (cited by Labcorp Genetics (formerly Invitae), Labcorp); PubMed 33471991 (cited by Ambry Genetics); PubMed 33558524 (cited by Ambry Genetics).

NM_002485.5(NBN):c.1502G>A (p.Trp501Ter)

Gene: NBN (nibrin; minus strand). Cytogenetic location: 8q21.3.
Variant type: single nucleotide variant.
Coding change: c.1502G>A on transcript NM_002485.5 (MANE Select); coding-DNA position 1502, G replaced by A.
Protein change: p.Trp501Ter; replaces tryptophan 501 with a stop codon.
Molecular consequence: nonsense.
Genome position (GRCh38, 1-based): chr8:89,953,587, C>T on the plus strand (G>A on the coding strand, the complement: NBN is on the minus strand). VCF-style: chr8-89953587-C-T. GRCh37 (hg19) VCF-style: chr8-90965815-C-T.
Other names: c.1256G>A, p.Trp419Ter (NM_001024688.3); short protein forms W501*, W419*.
Identifiers: ClinVar variation 480057 (VCV000480057.24), dbSNP rs1554558472, ClinGen allele CA371655727.
Genomic context (GRCh38, chr8:89,953,587, plus strand): 5'-TTATTGTCTGAGTTTGTGTCCACAGGCTCATTCTCAGATAGATGCTGCTCCTTATTTTTC[C>T]ACAATGAGGGTGTAGCAGGTTGTGTTTGTTCTAAAAGAGAACAAGACGTTTCTATTCTTG-3'